The following is an entry in ClinVar:

NM_006031.6(PCNT):c.1624C>T (p.Gln542Ter)

Gene: PCNT (pericentrin; plus strand). Cytogenetic location: 21q22.3.
Variant type: single nucleotide variant.
Coding change: c.1624C>T on transcript NM_006031.6 (MANE Select); coding-DNA position 1624, C replaced by T.
Protein change: p.Gln542Ter; replaces glutamine 542 with a stop codon.
Molecular consequence: nonsense.
Genome position (GRCh38, 1-based): chr21:46,353,271, C>T. VCF-style: chr21-46353271-C-T. GRCh37 (hg19) VCF-style: chr21-47773185-C-T.
Other names: c.1270C>T, p.Gln424Ter (NM_001315529.2); short protein forms Q424*, Q542*.
Identifiers: ClinVar variation 4999053 (VCV004999053.1).

ClinVar aggregate classification (germline): Likely pathogenic (1 of 4 stars; one submission).

Conditions:
PCNT-related disorder. Also called: PCNT-related condition.

gnomAD v4.1: 5 of 1,614,040 alleles (0.00031%); highest among the groups gnomAD compares: Admixed American, 0.0033%; no homozygotes.

Submission:

PreventionGenetics, part of Exact Sciences
Classification: Likely pathogenic for PCNT-related condition. Last evaluated: 2025-03-20. Review status: criteria provided, single submitter. Criteria: ACMG Guidelines, 2015. Collection method: clinical testing. Allele origin: germline.
Comment: The PCNT c.1624C>T variant is predicted to result in premature protein termination (p.Gln542*). To our knowledge, this variant has not been reported in the literature. This variant is reported in 0.0029% of alleles in individuals of Latino descent in gnomAD. Nonsense variants in PCNT are expected to be pathogenic. This variant is interpreted as likely pathogenic.